The following is an entry in ClinVar:

ClinVar aggregate classification (germline): Benign/Likely benign. Review status: criteria provided, multiple submitters, no conflicts (2 of 4 stars). 2 submissions from 2 submitters: Benign (1); Likely benign (1). Last evaluated 2026-06-09.

Conditions:
Familial adenomatous polyposis 1 (FAP1). Also called: FAMILIAL ADENOMATOUS POLYPOSIS 1, ATTENUATED; POLYPOSIS, ADENOMATOUS INTESTINAL. Identifiers: MedGen C2713442, MONDO:0021056, OMIM 175100. Disease mechanism: loss of function.
Hereditary cancer-predisposing syndrome. Also called: Tumor predisposition; Hereditary neoplastic syndrome; Neoplastic Syndromes, Hereditary; Hereditary Cancer Syndrome. Identifiers: Orphanet 140162, MedGen C0027672, MeSH D009386, MONDO:0015356.

Allele frequency attached by ClinVar (database versions not stated): TOPMed below 0.00001.

Submissions (2):

Ambry Genetics
Classification: Likely benign for Hereditary cancer-predisposing syndrome. Last evaluated: 2026-06-09. Review status: criteria provided, single submitter. Criteria: Ambry Variant Classification Scheme 2023. Collection method: clinical testing. Allele origin: germline.

Myriad Genetics, Inc.
Classification: Benign for Familial adenomatous polyposis 1. Last evaluated: 2024-02-29. Review status: criteria provided, single submitter. Criteria: Myriad Autosomal Dominant, Autosomal Recessive and X-Linked Classification Criteria (2023). Collection method: clinical testing. Allele origin: unknown.
Comment: This variant is considered benign. This variant is a silent/synonymous amino acid change and it is not expected to impact splicing.

NM_000038.6(APC):c.1083T>C (p.His361=)

Gene: APC (APC regulator of Wnt signaling pathway; plus strand). Cytogenetic location: 5q22.2.
Variant type: single nucleotide variant.
Coding change: c.1083T>C on transcript NM_000038.6 (MANE Select); coding-DNA position 1083, T replaced by C.
Protein change: p.His361=; no amino-acid change (histidine 361 retained).
Molecular consequence: synonymous variant. On other transcripts: non-coding transcript variant (2), intron variant (15).
Genome position (GRCh38, 1-based): chr5:112,819,115, T>C. VCF-style: chr5-112819115-T-C. GRCh37 (hg19) VCF-style: chr5-112154812-T-C.
Other names: c.1083T>C, p.His361= (NM_001127510.3, NM_001354895.2, NM_001354896.2 and 4 more transcripts); c.1029T>C, p.His343= (NM_001127511.3); c.1113T>C, p.His371= (NM_001354897.2, NM_001407446.1); c.1008T>C, p.His336= (NM_001354898.2, NM_001407451.1); c.999T>C, p.His333= (NM_001354899.2, NM_001407452.1); c.906T>C, p.His302= (NM_001354900.2, NM_001354901.2, NM_001407453.1); c.234T>C, p.His78= (NM_001354906.2, NM_001407470.1); c.85-154T>C (NM_001407472.1, NM_001407471.1); and 6 more.
Identifiers: ClinVar variation 3148118 (VCV003148118.2), dbSNP rs1762829027, ClinGen allele CA445755829.